The following is an entry in ClinVar:

ClinVar aggregate classification (germline): Uncertain significance. Review status: criteria provided, multiple submitters, no conflicts (2 of 4 stars). 2 submissions from 2 submitters: Uncertain significance (2). Last evaluated 2026-07-07.

Conditions:
RYR1-related disorder. Also called: RYR1-related condition; RYR1-related disorders. Identifiers: MedGen CN239331.
Inborn genetic diseases. Identifiers: MedGen C0950123, MeSH D030342.

Allele frequency attached by ClinVar (database versions not stated): gnomAD exomes below 0.00001; TOPMed 0.00001; gnomAD 0.00001.
gnomAD v4.1: 3 of 1,613,720 alleles (0.00019%); highest among the groups gnomAD compares: Non-Finnish European, 0.00017%; no homozygotes.

Submissions (2):

Ambry Genetics
Classification: Uncertain significance for Inborn genetic diseases. Last evaluated: 2026-07-07. Review status: criteria provided, single submitter. Criteria: Ambry Variant Classification Scheme 2023. Collection method: clinical testing. Allele origin: germline.
Comment: The p.K4775R variant (also known as c.14324A>G), located in coding exon 99 of the RYR1 gene, results from an A to G substitution at nucleotide position 14324. The lysine at codon 4775 is replaced by arginine, an amino acid with highly similar properties. This amino acid position is conserved. In addition, the in silico prediction for this alteration is inconclusive. Based on the available evidence, the clinical significance of this variant remains unclear.

Labcorp Genetics (formerly Invitae), Labcorp
Classification: Uncertain significance for RYR1-related disorder. Last evaluated: 2022-07-18. Review status: criteria provided, single submitter. Criteria: Invitae Variant Classification Sherloc (09022015). Collection method: clinical testing. Allele origin: germline.
Comment: ClinVar contains an entry for this variant (Variation ID: 1480107). In summary, the available evidence is currently insufficient to determine the role of this variant in disease. Therefore, it has been classified as a Variant of Uncertain Significance. Algorithms developed to predict the effect of sequence changes on RNA splicing suggest that this variant may create or strengthen a splice site. Advanced modeling of protein sequence and biophysical properties (such as structural, functional, and spatial information, amino acid conservation, physicochemical variation, residue mobility, and thermodynamic stability) performed at Invitae indicates that this missense variant is not expected to disrupt RYR1 protein function. This variant has not been reported in the literature in individuals affected with RYR1-related conditions. This variant is not present in population databases (gnomAD no frequency). This sequence change replaces lysine, which is basic and polar, with arginine, which is basic and polar, at codon 4775 of the RYR1 protein (p.Lys4775Arg).

NM_000540.3(RYR1):c.14324A>G (p.Lys4775Arg)

Gene: RYR1 (ryanodine receptor 1; plus strand). Cytogenetic location: 19q13.2.
Variant type: single nucleotide variant.
Coding change: c.14324A>G on transcript NM_000540.3 (MANE Select); coding-DNA position 14324, A replaced by G.
Protein change: p.Lys4775Arg; replaces lysine 4775 with arginine.
Molecular consequence: missense variant.
Genome position (GRCh38, 1-based): chr19:38,578,164, A>G. VCF-style: chr19-38578164-A-G. GRCh37 (hg19) VCF-style: chr19-39068804-A-G.
Other names: c.14309A>G, p.Lys4770Arg (NM_001042723.2); c.14324A>G (NM_000540.2); short protein forms K4770R, K4775R.
Identifiers: ClinVar variation 1480107 (VCV001480107.9), dbSNP rs1193773891, ClinGen allele CA405685134.